The following is an entry in ClinVar:

ClinVar aggregate classification (germline): Uncertain significance. Review status: criteria provided, multiple submitters, no conflicts (2 of 4 stars). 2 submissions from 2 submitters: Uncertain significance (2). Last evaluated 2025-04-23.

Conditions:
CHAMP1-related disorder. Also called: CHAMP1-related condition.
CHAMP1-related syndrome.

Submissions (2):

GeneDx
Classification: Uncertain significance. Last evaluated: 2025-04-23. Review status: criteria provided, single submitter. Criteria: GeneDx Variant Classification Process June 2021. Collection method: clinical testing. Allele origin: germline. Affected: yes.
Comment: Not observed at significant frequency in large population cohorts (gnomAD); In silico analysis supports that this missense variant has a deleterious effect on protein structure/function; Has not been previously published as pathogenic or benign to our knowledge

PreventionGenetics, part of Exact Sciences
Classification: Uncertain significance for CHAMP1-related condition. Last evaluated: 2025-04-18. Review status: criteria provided, single submitter. Criteria: ACMG Guidelines, 2015. Collection method: clinical testing. Allele origin: germline.
Comment: The CHAMP1 c.2279A>G variant is predicted to result in the amino acid substitution p.His760Arg. To our knowledge, this variant has not been reported in the literature or in a large population database (gnomAD), indicating this variant is rare. At this time, the clinical significance of this variant is uncertain due to the absence of conclusive functional and genetic evidence.

NM_032436.4(CHAMP1):c.2279A>G (p.His760Arg)

Gene: CHAMP1 (chromosome alignment maintaining phosphoprotein 1; plus strand). Cytogenetic location: 13q34.
Variant type: single nucleotide variant.
Coding change: c.2279A>G on transcript NM_032436.4 (MANE Select); coding-DNA position 2279, A replaced by G.
Protein change: p.His760Arg; replaces histidine 760 with arginine.
Molecular consequence: missense variant.
Genome position (GRCh38, 1-based): chr13:114,326,121, A>G. VCF-style: chr13-114326121-A-G. GRCh37 (hg19) VCF-style: chr13-115091596-A-G.
Other names: c.2279A>G, p.His760Arg (NM_001164144.3, NM_001164145.3); c.2279A>G (NM_001164145.2); short protein forms H760R.
Identifiers: ClinVar variation 984847 (VCV000984847.6), dbSNP rs2087247725, ClinGen allele CA388851248.